The following is an entry in ClinVar:

ClinVar aggregate classification (germline): Pathogenic (1 of 4 stars; one submission).

Conditions:
Ehlers-Danlos syndrome, classic type, 1 (EDSCL1). Also called: EDS I; Ehlers-Danlos syndrome, type 1; Ehlers-Danlos Syndrome, Classic Type, COL5A1-Related; EHLERS-DANLOS SYNDROME, GRAVIS TYPE; EHLERS-DANLOS SYNDROME, SEVERE CLASSIC TYPE. Identifiers: MedGen C0268335, MONDO:0019567, OMIM 130000.

Submission:

Labcorp Genetics (formerly Invitae), Labcorp
Classification: Pathogenic for Ehlers-Danlos syndrome, classic type, 1. Last evaluated: 2018-04-11. Review status: criteria provided, single submitter. Criteria: Invitae Variant Classification Sherloc (09022015). Collection method: clinical testing. Allele origin: germline.
Comment: For these reasons, this variant has been classified as Pathogenic. Loss-of-function variants in COL5A1 are known to be pathogenic (PMID: 23587214). This variant has been reported in an individual affected with Ehlers–Danlos syndrome (PMID: 22696272). This variant is not present in population databases (ExAC no frequency). This sequence change creates a premature translational stop signal (p.Ala797Profs*7) in the COL5A1 gene. It is expected to result in an absent or disrupted protein product.

Literature cited by the submitters: PubMed 23587214; PubMed 22696272.

NC_000009.12:g.134780105del

Gene: COL5A1 (collagen type V alpha 1 chain; plus strand). Cytogenetic location: 9q34.3.
Variant type: Deletion.
Genome position: GRCh38 VCF-style: chr9-134780100-AG-A. GRCh37 (hg19) VCF-style: chr9-137671946-AG-A.
Identifiers: ClinVar variation 569177 (VCV000569177.10), dbSNP rs1564453833, ClinGen allele CA891842586.